The following is an entry in ClinVar:

ClinVar aggregate classification (germline): Uncertain significance (1 of 4 stars; one submission).

Submission:

Labcorp Genetics (formerly Invitae), Labcorp
Classification: Uncertain significance. Last evaluated: 2022-08-16. Review status: criteria provided, single submitter. Criteria: Invitae Variant Classification Sherloc (09022015). Collection method: clinical testing. Allele origin: germline.
Comment: In summary, the available evidence is currently insufficient to determine the role of this variant in disease. Therefore, it has been classified as a Variant of Uncertain Significance. This sequence change replaces alanine, which is neutral and non-polar, with serine, which is neutral and polar, at codon 1198 of the POLE protein (p.Ala1198Ser). This variant is not present in population databases (gnomAD no frequency). This variant has not been reported in the literature in individuals affected with POLE-related conditions. ClinVar contains an entry for this variant (Variation ID: 1025524). Algorithms developed to predict the effect of missense changes on protein structure and function (SIFT, PolyPhen-2, Align-GVGD) all suggest that this variant is likely to be tolerated.

NM_006231.4(POLE):c.3592G>T (p.Ala1198Ser)

Gene: POLE (DNA polymerase epsilon, catalytic subunit; minus strand). Cytogenetic location: 12q24.33.
Variant type: single nucleotide variant.
Coding change: c.3592G>T on transcript NM_006231.4 (MANE Select); coding-DNA position 3592, G replaced by T.
Protein change: p.Ala1198Ser; replaces alanine 1198 with serine.
Molecular consequence: missense variant.
Genome position (GRCh38, 1-based): chr12:132,649,880, C>A on the plus strand (G>T on the coding strand, the complement: POLE is on the minus strand). VCF-style: chr12-132649880-C-A. GRCh37 (hg19) VCF-style: chr12-133226466-C-A.
Other names: short protein forms A1198S.
Identifiers: ClinVar variation 1025524 (VCV001025524.8), dbSNP rs2042384480, ClinGen allele CA387387060.